The following is an entry in ClinVar:

ClinVar aggregate classification (germline): Pathogenic/Likely pathogenic. Review status: criteria provided, multiple submitters, no conflicts (2 of 4 stars). 2 submissions from 2 submitters: Pathogenic (1); Likely pathogenic (1). Last evaluated 2023-02-06.

Conditions:
Hereditary cancer-predisposing syndrome. Also called: Neoplastic Syndromes, Hereditary; Tumor predisposition; Hereditary neoplastic syndrome; Hereditary Cancer Syndrome. Identifiers: Orphanet 140162, MedGen C0027672, MeSH D009386, MONDO:0015356.
Hereditary breast ovarian cancer syndrome. Also called: Hereditary breast and ovarian cancer syndrome; Hereditary breast and ovarian cancer; Hereditary breast and ovarian cancer syndrome (HBOC); Breast and ovarian cancer; Hereditary breast and/or ovarian cancer syndrome; BRCA1- and BRCA2-Associated Hereditary Breast and Ovarian Cancer. Identifiers: Orphanet 145, MedGen C0677776, MeSH D061325, MONDO:0003582. Disease mechanism: loss of function.

Allele frequency attached by ClinVar (database versions not stated): gnomAD exomes below 0.00001.

Submissions (2):

Ambry Genetics
Classification: Pathogenic for Hereditary cancer-predisposing syndrome. Last evaluated: 2023-02-06. Review status: criteria provided, single submitter. Criteria: Ambry Variant Classification Scheme 2023. Collection method: clinical testing. Allele origin: germline.
Comment: The c.5569delG pathogenic mutation, located in coding exon 10 of the BRCA2 gene, results from a deletion of one nucleotide at nucleotide position 5569, causing a translational frameshift with a predicted alternate stop codon (p.E1857Kfs*6). This alteration was identified in an individual diagnosed with pancreatic cancer (Lowery MA et al. J Natl Cancer Inst, 2018 Oct;110:1067-1074). This variant is considered to be rare based on population cohorts in the Genome Aggregation Database (gnomAD). In addition to the clinical data presented in the literature, this alteration is expected to result in loss of function by premature protein truncation or nonsense-mediated mRNA decay. As such, this alteration is interpreted as a disease-causing mutation.

Laboratory for Molecular Medicine, Mass General Brigham Personalized Medicine
Classification: Likely pathogenic for Hereditary breast ovarian cancer syndrome. Last evaluated: 2020-08-10. Review status: criteria provided, single submitter. Criteria: ACMG Guidelines, 2015. Collection method: clinical testing. Allele origin: germline. Inheritance: Autosomal dominant inheritance.
Comment: The p.Glu1857LysfsX6 variant in BRCA2 has been reported as a germline variant in 1 individual with an exocrine pancreatic neoplasm (Lowery 2018 PMID:29506128) and was absent from large population studies. This variant is predicted to cause a frameshift, which alters the protein’s amino acid sequence beginning at position 1857 and leads to a premature termination codon 6 amino acids downstream. This alteration is then predicted to lead to a truncated or absent protein. Loss of function of the BRCA2 gene is an established disease mechanism in autosomal dominant hereditary breast and ovarian cancer syndrome (HBOC). In summary, although additional studies are required to fully establish its clinical significance, this variant meets criteria to be classified as likely pathogenic for autosomal dominant HBOC. ACMG/AMP Criteria applied: PVS1, PM2.

Literature cited by the submitters: PubMed 29506128 (cited by Ambry Genetics and Laboratory for Molecular Medicine, Mass General Brigham Personalized Medicine).

NM_000059.4(BRCA2):c.5569del (p.Glu1857fs)

Gene: BRCA2 (BRCA2 DNA repair associated; plus strand). Cytogenetic location: 13q13.1.
Variant type: Deletion.
Coding change: c.5569del on transcript NM_000059.4 (MANE Select); coding-DNA position 5569, one base deleted (G; older notation c.5569delG).
Protein change: p.Glu1857fs; shifts the reading frame from glutamic acid 1857.
Molecular consequence: frameshift variant.
Genome position (GRCh38, 1-based): chr13:32,339,924, G deleted. VCF-style (leftmost placement, unchanged base first): chr13-32339923-TG-T. GRCh37 (hg19) VCF-style: chr13-32914060-TG-T.
Other names: c.5569delG (NM_000059.3); short protein forms E1857fs.
Identifiers: ClinVar variation 3075813 (VCV003075813.2), dbSNP rs2548531149, ClinGen allele CA2499222201.